The following is an entry in ClinVar:

NM_000097.7(CPOX):c.137G>A (p.Arg46His)

Genes: CPOX (coproporphyrinogen oxidase; minus strand), LOC129937121 (ATAC-STARR-seq lymphoblastoid silent region 14560; plus strand). Cytogenetic location: 3q11.2.
Variant type: single nucleotide variant.
Coding change: c.137G>A on transcript NM_000097.7 (MANE Select); coding-DNA position 137, G replaced by A.
Protein change: p.Arg46His; replaces arginine 46 with histidine.
Molecular consequence: missense variant.
Genome position (GRCh38, 1-based): chr3:98,593,368, C>T on the plus strand (G>A on the coding strand, the complement: CPOX is on the minus strand). VCF-style: chr3-98593368-C-T. GRCh37 (hg19) VCF-style: chr3-98312212-C-T.
Other names: short protein forms R46H.
Identifiers: ClinVar variation 4869396 (VCV004869396.1).

ClinVar aggregate classification (germline): Uncertain significance (1 of 4 stars; one submission).

Conditions:
Inborn genetic diseases. Identifiers: MedGen C0950123, MeSH D030342.

Submission:

Ambry Genetics
Classification: Uncertain significance for Inborn genetic diseases. Last evaluated: 2026-04-08. Review status: criteria provided, single submitter. Criteria: Ambry Variant Classification Scheme 2023. Collection method: clinical testing. Allele origin: germline.
Comment: The c.137G>A (p.R46H) alteration is located in exon 1 (coding exon 1) of the CPOX gene. This alteration results from a G to A substitution at nucleotide position 137, causing the arginine (R) at amino acid position 46 to be replaced by a histidine (H). Based on data from gnomAD, the A allele has an overall frequency of 0.003% (1/31040) total alleles studied. The highest observed frequency was 0.012% (1/8638) of African alleles. Based on insufficient or conflicting evidence, the clinical significance of this alteration remains unclear.